The following is an entry in ClinVar:

ClinVar aggregate classification (germline): Uncertain significance (1 of 4 stars; one submission).

Conditions:
Autosomal dominant nocturnal frontal lobe epilepsy 5. Also called: Epilepsy, nocturnal frontal lobe, 5; CILIARY DYSKINESIA, PRIMARY, 28, WITHOUT SITUS INVERSUS; CILIARY DYSKINESIA, PRIMARY, 28, WITH SITUS INVERSUS; KCNT1-Related Epilepsy. Identifiers: Orphanet 98784, MedGen C3554306, MONDO:0014002, OMIM 615005.
Developmental and epileptic encephalopathy, 14 (DEE14). Also called: Early infantile epileptic encephalopathy 14. Identifiers: Orphanet 293181, MedGen C3554195, MONDO:0013989, OMIM 614959.

Allele frequency attached by ClinVar (database versions not stated): gnomAD exomes below 0.00001.
gnomAD v4.1: 1 of 1,612,834 alleles (0.000062%); highest among the groups gnomAD compares: Non-Finnish European, 0.000085%; no homozygotes.

Submission:

Labcorp Genetics (formerly Invitae), Labcorp
Classification: Uncertain significance for Autosomal dominant nocturnal frontal lobe epilepsy 5; Developmental and epileptic encephalopathy, 14. Last evaluated: 2019-11-28. Review status: criteria provided, single submitter. Criteria: Invitae Variant Classification Sherloc (09022015). Collection method: clinical testing. Allele origin: germline.
Comment: This sequence change replaces tyrosine with cysteine at codon 582 of the KCNT1 protein (p.Tyr582Cys). The tyrosine residue is highly conserved and there is a large physicochemical difference between tyrosine and cysteine. In summary, the available evidence is currently insufficient to determine the role of this variant in disease. Therefore, it has been classified as a Variant of Uncertain Significance. Algorithms developed to predict the effect of missense changes on protein structure and function are either unavailable or do not agree on the potential impact of this missense change (SIFT: "Deleterious"; PolyPhen-2: "Possibly Damaging"; Align-GVGD: "Class C0"). This variant has not been reported in the literature in individuals with KCNT1-related conditions. This variant is not present in population databases (ExAC no frequency).

NM_020822.3(KCNT1):c.1745A>G (p.Tyr582Cys)

Gene: KCNT1 (potassium sodium-activated channel subfamily T member 1; plus strand). Cytogenetic location: 9q34.3.
Variant type: single nucleotide variant.
Coding change: c.1745A>G on transcript NM_020822.3 (MANE Select); coding-DNA position 1745, A replaced by G.
Protein change: p.Tyr582Cys; replaces tyrosine 582 with cysteine.
Molecular consequence: missense variant.
Genome position (GRCh38, 1-based): chr9:135,770,423, A>G. VCF-style: chr9-135770423-A-G. GRCh37 (hg19) VCF-style: chr9-138662269-A-G.
Other names: c.1610A>G, p.Tyr537Cys (NM_001272003.2); short protein forms Y537C, Y582C.
Identifiers: ClinVar variation 860359 (VCV000860359.8), dbSNP rs1832673206, ClinGen allele CA375506790.